The following is an entry in ClinVar:

ClinVar aggregate classification (germline): Uncertain significance. Review status: criteria provided, multiple submitters, no conflicts (2 of 4 stars). 2 submissions from 2 submitters: Uncertain significance (2). Last evaluated 2025-05-05.

Submissions (2):

Mayo Clinic Laboratories, Mayo Clinic
Classification: Uncertain significance. Last evaluated: 2025-05-05. Review status: criteria provided, single submitter. Criteria: ACMG Guidelines, 2015. Collection method: clinical testing. Allele origin: germline. Observed: 1 variant allele.
Comment: BP4

Labcorp Genetics (formerly Invitae), Labcorp
Classification: Uncertain significance. Last evaluated: 2024-05-12. Review status: criteria provided, single submitter. Criteria: Invitae Variant Classification Sherloc (09022015). Collection method: clinical testing. Allele origin: germline.
Comment: This sequence change replaces leucine, which is neutral and non-polar, with valine, which is neutral and non-polar, at codon 302 of the ABCB6 protein (p.Leu302Val). This variant is present in population databases (rs113159519, gnomAD 0.1%), and has an allele count higher than expected for a pathogenic variant. This missense change has been observed in individual(s) with autism and microphthalmia (PMID: 27391121). Algorithms developed to predict the effect of missense changes on protein structure and function output the following: SIFT: "Not Available"; PolyPhen-2: "Benign"; Align-GVGD: "Not Available". The valine amino acid residue is found in multiple mammalian species, which suggests that this missense change does not adversely affect protein function. In summary, the available evidence is currently insufficient to determine the role of this variant in disease. Therefore, it has been classified as a Variant of Uncertain Significance.

Literature cited by the submitters: PubMed 27391121 (cited by Labcorp Genetics (formerly Invitae), Labcorp).

NM_005689.4(ABCB6):c.904C>G (p.Leu302Val)

Gene: ABCB6 (ATP binding cassette subfamily B member 6 (LAN blood group); minus strand). Cytogenetic location: 2q35.
Variant type: single nucleotide variant.
Coding change: c.904C>G on transcript NM_005689.4 (MANE Select); coding-DNA position 904, C replaced by G.
Protein change: p.Leu302Val; replaces leucine 302 with valine.
Molecular consequence: missense variant.
Genome position (GRCh38, 1-based): chr2:219,216,430, G>C on the plus strand (C>G on the coding strand, the complement: ABCB6 is on the minus strand). VCF-style: chr2-219216430-G-C. GRCh37 (hg19) VCF-style: chr2-220081152-G-C.
Other names: p.Leu302Val; c.766C>G, p.Leu256Val (NM_001349828.2); short protein forms L256V, L302V.
Identifiers: ClinVar variation 3632199 (VCV003632199.3).